The following is an entry in ClinVar:

ClinVar aggregate classification (germline): Uncertain significance (1 of 4 stars; one submission).

Submission:

Labcorp Genetics (formerly Invitae), Labcorp
Classification: Uncertain significance. Last evaluated: 2022-03-09. Review status: criteria provided, single submitter. Criteria: Invitae Variant Classification Sherloc (09022015). Collection method: clinical testing. Allele origin: germline.
Comment: In summary, the available evidence is currently insufficient to determine the role of this variant in disease. Therefore, it has been classified as a Variant of Uncertain Significance. Algorithms developed to predict the effect of missense changes on protein structure and function are either unavailable or do not agree on the potential impact of this missense change (SIFT: "Deleterious"; PolyPhen-2: "Possibly Damaging"; Align-GVGD: "Class C15"). This variant has not been reported in the literature in individuals affected with ABCA4-related conditions. This variant is not present in population databases (gnomAD no frequency). This sequence change replaces isoleucine, which is neutral and non-polar, with phenylalanine, which is neutral and non-polar, at codon 1732 of the ABCA4 protein (p.Ile1732Phe).

NM_000350.3(ABCA4):c.5194A>T (p.Ile1732Phe)

Gene: ABCA4 (ATP binding cassette subfamily A member 4; minus strand). Cytogenetic location: 1p22.1.
Variant type: single nucleotide variant.
Coding change: c.5194A>T on transcript NM_000350.3 (MANE Select); coding-DNA position 5194, A replaced by T.
Protein change: p.Ile1732Phe; replaces isoleucine 1732 with phenylalanine.
Molecular consequence: missense variant.
Genome position (GRCh38, 1-based): chr1:94,019,584, T>A on the plus strand (A>T on the coding strand, the complement: ABCA4 is on the minus strand). VCF-style: chr1-94019584-T-A. GRCh37 (hg19) VCF-style: chr1-94485140-T-A.
Other names: c.4972A>T, p.Ile1658Phe (NM_001425324.1); short protein forms I1732F, I1658F.
Identifiers: ClinVar variation 1360821 (VCV001360821.6), dbSNP rs2101020577, ClinGen allele CA341282228.